The following is an entry in ClinVar:

ClinVar aggregate classification (germline): Benign/Likely benign. Review status: criteria provided, multiple submitters, no conflicts (2 of 4 stars). 3 submissions from 3 submitters: Benign (1); Likely benign (2). Last evaluated 2026-01-31.

Conditions:
Tuberous sclerosis 2 (TSC2). Identifiers: Orphanet 805, MedGen C1860707, MONDO:0013199, OMIM 613254.

Allele frequency attached by ClinVar (database versions not stated): gnomAD 0.00004 and 0.00007; TOPMed 0.00012; 1000 Genomes Project 0.00020; 1000 Genomes Project 30x 0.00031.
gnomAD v4.1: 121 of 1,612,720 alleles (0.0075%); highest among the groups gnomAD compares: East Asian, 0.018%; no homozygotes.

Submissions (3):

Labcorp Genetics (formerly Invitae), Labcorp
Classification: Likely benign for Tuberous sclerosis 2. Last evaluated: 2026-01-31. Review status: criteria provided, single submitter. Criteria: Invitae Variant Classification Sherloc (09022015). Collection method: clinical testing. Allele origin: germline.

Blueprint Genetics
Classification: Likely benign. Last evaluated: 2023-11-03. Review status: criteria provided, single submitter. Criteria: ACMG Guidelines, 2015. Collection method: clinical testing. Allele origin: germline.

GeneDx
Classification: Benign. Last evaluated: 2013-10-11. Review status: criteria provided, single submitter. Criteria: GeneDx Variant Classification (06012015). Collection method: clinical testing. Allele origin: germline. Affected: yes.
Comment: This variant is considered likely benign or benign based on one or more of the following criteria: it is a conservative change, it occurs at a poorly conserved position in the protein, it is predicted to be benign by multiple in silico algorithms, and/or has population frequency not consistent with disease.

NM_000548.5(TSC2):c.1839+20G>A

Gene: TSC2 (TSC complex subunit 2; plus strand). Cytogenetic location: 16p13.3.
Variant type: single nucleotide variant.
Coding change: c.1839+20G>A on transcript NM_000548.5 (MANE Select); 20 bases into the intron after coding-DNA position 1839, G replaced by A.
Molecular consequence: intron variant.
Genome position (GRCh38, 1-based): chr16:2,070,598, G>A. VCF-style: chr16-2070598-G-A. GRCh37 (hg19) VCF-style: chr16-2120599-G-A.
Other names: c.1839+20G>A (NM_001114382.3, NM_021055.3, NM_001370405.1 and 3 more transcripts); c.1728+20G>A (NM_001318827.2); c.1239+20G>A (NM_001318831.2); c.1692+20G>A (NM_001318829.2); c.1872+20G>A (NM_001318832.2).
Identifiers: ClinVar variation 137739 (VCV000137739.10), dbSNP rs569912958, ClinGen allele CA015956.
Genomic context (GRCh38, chr16:2,070,598, plus strand): 5'-ACAGCTACACCCTGCCAATCGCGAGCAGCATCCGGCTGCAGGTATGGTGGCTGGGGTTGC[G>A]CAGCCAGTTCCTGGGGGCCCAGCCAGGTATCCCCGTCTCGGCAGGTGTGGTTCCTGGAAG-3'